The following is an entry in ClinVar:

NM_004341.5(CAD):c.1156C>T (p.Pro386Ser)

Gene: CAD (carbamoyl-phosphate synthetase 2, aspartate transcarbamylase, and dihydroorotase; plus strand). Cytogenetic location: 2p23.3.
Variant type: single nucleotide variant.
Coding change: c.1156C>T on transcript NM_004341.5 (MANE Select); coding-DNA position 1156, C replaced by T.
Protein change: p.Pro386Ser; replaces proline 386 with serine.
Molecular consequence: missense variant.
Genome position (GRCh38, 1-based): chr2:27,224,392, C>T. VCF-style: chr2-27224392-C-T. GRCh37 (hg19) VCF-style: chr2-27447260-C-T.
Other names: c.1156C>T, p.Pro386Ser (NM_001306079.2); c.1156C>T (NM_004341.3); short protein forms P386S.
Identifiers: ClinVar variation 1899375 (VCV001899375.3), dbSNP rs372155607, ClinGen allele CA1572634.

ClinVar aggregate classification (germline): Uncertain significance. Review status: criteria provided, multiple submitters, no conflicts (2 of 4 stars). 2 submissions from 2 submitters: Uncertain significance (2). Last evaluated 2025-04-08.

Conditions:
Inborn genetic diseases. Identifiers: MedGen C0950123, MeSH D030342.

Allele frequency attached by ClinVar (database versions not stated): ExAC 0.00003; gnomAD exomes 0.00006; TOPMed 0.00003; gnomAD 0.00003; ESP Exome Variant Server 0.00008.
gnomAD v4.1: 88 of 1,614,088 alleles (0.0055%); highest among the groups gnomAD compares: Non-Finnish European, 0.007%; no homozygotes.

Submissions (2):

Ambry Genetics
Classification: Uncertain significance for Inborn genetic diseases. Last evaluated: 2025-04-08. Review status: criteria provided, single submitter. Criteria: Ambry Variant Classification Scheme 2023. Collection method: clinical testing. Allele origin: germline.

Labcorp Genetics (formerly Invitae), Labcorp
Classification: Uncertain significance. Last evaluated: 2022-02-22. Review status: criteria provided, single submitter. Criteria: Invitae Variant Classification Sherloc (09022015). Collection method: clinical testing. Allele origin: germline.
Comment: This sequence change replaces proline, which is neutral and non-polar, with serine, which is neutral and polar, at codon 386 of the CAD protein (p.Pro386Ser). This variant is present in population databases (rs372155607, gnomAD 0.005%). This variant has not been reported in the literature in individuals affected with CAD-related conditions. Algorithms developed to predict the effect of missense changes on protein structure and function (SIFT, PolyPhen-2, Align-GVGD) all suggest that this variant is likely to be tolerated. In summary, the available evidence is currently insufficient to determine the role of this variant in disease. Therefore, it has been classified as a Variant of Uncertain Significance.